The following is an entry in ClinVar:

ClinVar aggregate classification (germline): Uncertain significance (1 of 4 stars; one submission).

Allele frequency attached by ClinVar (database versions not stated): gnomAD 0.00001; gnomAD exomes 0.00001; TOPMed 0.00001.

Submission:

Labcorp Genetics (formerly Invitae), Labcorp
Classification: Uncertain significance. Last evaluated: 2022-03-20. Review status: criteria provided, single submitter. Criteria: Invitae Variant Classification Sherloc (09022015). Collection method: clinical testing. Allele origin: germline.
Comment: This variant is present in population databases (no rsID available, gnomAD 0.004%). This sequence change replaces glutamine, which is neutral and polar, with lysine, which is basic and polar, at codon 2 of the DCHS1 protein (p.Gln2Lys). This variant has not been reported in the literature in individuals affected with DCHS1-related conditions. In summary, the available evidence is currently insufficient to determine the role of this variant in disease. Therefore, it has been classified as a Variant of Uncertain Significance. Advanced modeling of protein sequence and biophysical properties (such as structural, functional, and spatial information, amino acid conservation, physicochemical variation, residue mobility, and thermodynamic stability) performed at Invitae indicates that this missense variant is not expected to disrupt DCHS1 protein function.

NM_003737.4(DCHS1):c.4C>A (p.Gln2Lys)

Gene: DCHS1 (dachsous cadherin-related 1; minus strand). Cytogenetic location: 11p15.4.
Variant type: single nucleotide variant.
Coding change: c.4C>A on transcript NM_003737.4 (MANE Select); coding-DNA position 4, C replaced by A.
Protein change: p.Gln2Lys; replaces glutamine 2 with lysine.
Molecular consequence: missense variant.
Genome position (GRCh38, 1-based): chr11:6,641,610, G>T on the plus strand (C>A on the coding strand, the complement: DCHS1 is on the minus strand). VCF-style: chr11-6641610-G-T. GRCh37 (hg19) VCF-style: chr11-6662841-G-T.
Other names: short protein forms Q2K.
Identifiers: ClinVar variation 1969044 (VCV001969044.5), dbSNP rs955579195, ClinGen allele CA217303659.
Genomic context (GRCh38, chr11:6,641,610, plus strand): 5'-GGAGGTGGGGCCTGGGGCTCTTCATGCCAGGGCAGGAAGGCACAATGCCCAGCTCCTTCT[G>T]CATGACAAGGGTAGTCCAGCTGTGCCTTGGGCTCCAGCTCCAGGCCAGGCTCTGGGCCCA-3'
Protein context (NP_003728.1, residues 1-12): M[Gln2Lys]KELGIVPSCP